The following is an entry in ClinVar:

NM_005120.3(MED12):c.5134C>T (p.Arg1712Trp)

Gene: MED12 (mediator complex subunit 12; plus strand). Cytogenetic location: Xq13.1.
Variant type: single nucleotide variant.
Coding change: c.5134C>T on transcript NM_005120.3 (MANE Select); coding-DNA position 5134, C replaced by T.
Protein change: p.Arg1712Trp; replaces arginine 1712 with tryptophan.
Molecular consequence: missense variant.
Genome position (GRCh38, 1-based): chrX:71,136,389, C>T. VCF-style: chrX-71136389-C-T. GRCh37 (hg19) VCF-style: chrX-70356239-C-T.
Other names: short protein forms R1712W.
Identifiers: ClinVar variation 1200942 (VCV001200942.11), dbSNP rs763233945, ClinGen allele CA10444746.

ClinVar aggregate classification (germline): Uncertain significance. Review status: criteria provided, multiple submitters, no conflicts (2 of 4 stars). 3 submissions from 3 submitters: Uncertain significance (3). Last evaluated 2025-05-23.

Conditions:
FG syndrome (FGS). Identifiers: MedGen C0220769, MONDO:0002010.
Familial thoracic aortic aneurysm and aortic dissection (TAAD). Also called: Thoracic aortic aneurysms and dissections. Identifiers: Orphanet 91387, MedGen C4707243, MONDO:0019625.

Allele frequency attached by ClinVar (database versions not stated): ExAC 0.00001; gnomAD exomes 0.00001.
gnomAD v4.1: 3 of 1,211,145 alleles (0.00025%); highest among the groups gnomAD compares: East Asian, 0.003%; no homozygotes.

Submissions (3):

Ambry Genetics
Classification: Uncertain significance for Familial thoracic aortic aneurysm and aortic dissection. Last evaluated: 2025-05-23. Review status: criteria provided, single submitter. Criteria: Ambry Variant Classification Scheme 2023. Collection method: clinical testing. Allele origin: germline.

GeneDx
Classification: Uncertain significance. Last evaluated: 2024-09-09. Review status: criteria provided, single submitter. Criteria: GeneDx Variant Classification Process June 2021. Collection method: clinical testing. Allele origin: germline. Affected: yes.
Comment: In silico analysis supports that this missense variant has a deleterious effect on protein structure/function; Has not been previously published as pathogenic or benign to our knowledge

Labcorp Genetics (formerly Invitae), Labcorp
Classification: Uncertain significance for FG syndrome. Last evaluated: 2022-07-19. Review status: criteria provided, single submitter. Criteria: Invitae Variant Classification Sherloc (09022015). Collection method: clinical testing. Allele origin: germline.
Comment: In summary, the available evidence is currently insufficient to determine the role of this variant in disease. Therefore, it has been classified as a Variant of Uncertain Significance. Algorithms developed to predict the effect of missense changes on protein structure and function (SIFT, PolyPhen-2, Align-GVGD) all suggest that this variant is likely to be disruptive. ClinVar contains an entry for this variant (Variation ID: 1200942). This variant has not been reported in the literature in individuals affected with MED12-related conditions. This variant is present in population databases (rs763233945, gnomAD 0.004%). This sequence change replaces arginine, which is basic and polar, with tryptophan, which is neutral and slightly polar, at codon 1712 of the MED12 protein (p.Arg1712Trp).